The following is an entry in ClinVar:

NM_001039660.2(IL18BP):c.28+18_28+19delinsAT

Gene: IL18BP (interleukin 18 binding protein; plus strand). Cytogenetic location: 11q13.4.
Variant type: Indel.
Coding change: c.28+18_28+19delinsAT on transcript NM_001039660.2 (MANE Select); bases 18 to 19 of the intron after coding-DNA position 28, GC replaced by AT.
Molecular consequence: intron variant.
Genome position (GRCh38, 1-based): chr11:72,000,030-72,000,031, GC replaced by AT. VCF-style: chr11-72000030-GC-AT. GRCh37 (hg19) VCF-style: chr11-71711076-GC-AT.
Other names: c.28+18_28+19delinsAT (NM_001039659.2, NM_173044.3, NM_005699.3 and 3 more transcripts).
Identifiers: ClinVar variation 2092682 (VCV002092682.4), dbSNP rs2495819172, ClinGen allele CA2580084834.

ClinVar aggregate classification (germline): Uncertain significance (1 of 4 stars; one submission).

Submission:

Labcorp Genetics (formerly Invitae), Labcorp
Classification: Uncertain significance. Last evaluated: 2025-09-25. Review status: criteria provided, single submitter. Criteria: Invitae Variant Classification Sherloc (09022015). Collection method: clinical testing. Allele origin: germline.
Comment: This sequence change falls in intron 1 of the IL18BP gene. It does not directly change the encoded amino acid sequence of the IL18BP protein. Information on the frequency of this variant in the gnomAD database is not available, as this variant may be reported differently in the database. This variant has not been reported in the literature in individuals affected with IL18BP-related conditions. ClinVar contains an entry for this variant (Variation ID: 2092682). Experimental studies and prediction algorithms are not available or were not evaluated, and the effect of this variant on mRNA splicing is currently unknown. In summary, the available evidence is currently insufficient to determine the role of this variant in disease. Therefore, it has been classified as a Variant of Uncertain Significance.